The following is an entry in ClinVar:

ClinVar aggregate classification (germline): Uncertain significance (1 of 4 stars; one submission).

Conditions:
Epilepsy, familial adult myoclonic, 5 (EPEO5). Also called: CORTICAL MYOCLONIC TREMOR WITH EPILEPSY, FAMILIAL, 5. Identifiers: Orphanet 86814, MedGen C3809374, MONDO:0014167, OMIM 615400.

Allele frequency attached by ClinVar (database versions not stated): gnomAD 0.00001; gnomAD exomes 0.00001; TOPMed 0.00001.
gnomAD v4.1: 7 of 1,612,510 alleles (0.00043%); highest among the groups gnomAD compares: Non-Finnish European, 0.00059%; no homozygotes.

Submission:

Labcorp Genetics (formerly Invitae), Labcorp
Classification: Uncertain significance for Epilepsy, familial adult myoclonic, 5. Last evaluated: 2021-08-05. Review status: criteria provided, single submitter. Criteria: Invitae Variant Classification Sherloc (09022015). Collection method: clinical testing. Allele origin: germline.
Comment: This sequence change replaces glutamine with arginine at codon 413 of the CNTN2 protein (p.Gln413Arg). The glutamine residue is highly conserved and there is a small physicochemical difference between glutamine and arginine. This variant is not present in population databases (ExAC no frequency). This variant has not been reported in the literature in individuals with CNTN2-related conditions. Algorithms developed to predict the effect of missense changes on protein structure and function are either unavailable or do not agree on the potential impact of this missense change (SIFT: "Deleterious"; PolyPhen-2: "Benign"; Align-GVGD: "Class C35"). In summary, the available evidence is currently insufficient to determine the role of this variant in disease. Therefore, it has been classified as a Variant of Uncertain Significance.

NM_005076.5(CNTN2):c.1238A>G (p.Gln413Arg)

Gene: CNTN2 (contactin 2; plus strand). Cytogenetic location: 1q32.1.
Variant type: single nucleotide variant.
Coding change: c.1238A>G on transcript NM_005076.5 (MANE Select); coding-DNA position 1238, A replaced by G.
Protein change: p.Gln413Arg; replaces glutamine 413 with arginine.
Molecular consequence: missense variant. On other transcripts: non-coding transcript variant (1).
Genome position (GRCh38, 1-based): chr1:205,062,567, A>G. VCF-style: chr1-205062567-A-G. GRCh37 (hg19) VCF-style: chr1-205031695-A-G.
Other names: c.1238A>G, p.Gln413Arg (NM_001346083.2); short protein forms Q413R.
Identifiers: ClinVar variation 1008883 (VCV001008883.9), dbSNP rs558496903, ClinGen allele CA36372188.